The following is an entry in ClinVar:

NM_000051.4(ATM):c.6264T>C (p.Asn2088=)

Genes: ATM (ATM serine/threonine kinase; plus strand), C11orf65 (chromosome 11 open reading frame 65; minus strand). Cytogenetic location: 11q22.3.
Variant type: single nucleotide variant.
Coding change: c.6264T>C on transcript NM_000051.4 (MANE Select); coding-DNA position 6264, T replaced by C.
Protein change: p.Asn2088=; no amino-acid change (asparagine 2088 retained).
Molecular consequence: synonymous variant. On other transcripts: intron variant (2).
Genome position (GRCh38, 1-based): chr11:108,317,438, T>C. VCF-style: chr11-108317438-T-C. GRCh37 (hg19) VCF-style: chr11-108188165-T-C.
Other names: c.6264T>C, p.Asn2088= (NM_001351834.2); c.641-8367A>G (NM_001330368.2); c.*39-8367A>G (NM_001351110.2).
Identifiers: ClinVar variation 918346 (VCV000918346.9), dbSNP rs747372417, ClinGen allele CA6265901.

ClinVar aggregate classification (germline): Benign/Likely benign. Review status: criteria provided, multiple submitters, no conflicts (2 of 4 stars). 4 submissions from 4 submitters: Benign (1); Likely benign (3). Last evaluated 2024-06-05.

Conditions:
Hereditary cancer-predisposing syndrome. Also called: Tumor predisposition; Neoplastic Syndromes, Hereditary; Hereditary neoplastic syndrome; Hereditary Cancer Syndrome. Identifiers: Orphanet 140162, MedGen C0027672, MeSH D009386, MONDO:0015356.
Familial cancer of breast. Also called: Hereditary breast cancer; hereditary breast carcinoma; BREAST CANCER, FAMILIAL. Identifiers: Orphanet 227535, MedGen C0346153, MONDO:0016419, OMIM 114480. Disease mechanism: loss of function.
Ataxia-telangiectasia syndrome (AT). Also called: Ataxia-telangiectasia, complementation group D; AT, COMPLEMENTATION GROUP C; ATAXIA-TELANGIECTASIA, COMPLEMENTATION GROUP A; ATAXIA-TELANGIECTASIA, FRESNO VARIANT; Ataxia-telangiectasia; Ataxia telangiectasia (A-T). Identifiers: Orphanet 100, MedGen C0004135, MONDO:0008840, OMIM 208900.

Allele frequency attached by ClinVar (database versions not stated): gnomAD exomes below 0.00001; ExAC 0.00001.
gnomAD v4.1: 1 of 1,612,404 alleles (0.000062%); highest among the groups gnomAD compares: East Asian, 0.0022%; no homozygotes.

Submissions (4):

Myriad Genetics, Inc.
Classification: Benign for Familial cancer of breast. Last evaluated: 2024-06-05. Review status: criteria provided, single submitter. Criteria: Myriad Autosomal Dominant, Autosomal Recessive and X-Linked Classification Criteria (2023). Collection method: clinical testing. Allele origin: unknown.
Comment: This variant is considered benign. This variant is a silent/synonymous amino acid change and it is not expected to impact splicing.

Ambry Genetics
Classification: Likely benign for Hereditary cancer-predisposing syndrome. Last evaluated: 2023-10-19. Review status: criteria provided, single submitter. Criteria: Ambry Variant Classification Scheme 2023. Collection method: clinical testing. Allele origin: germline.

Labcorp Genetics (formerly Invitae), Labcorp
Classification: Likely benign for Ataxia-telangiectasia syndrome. Last evaluated: 2023-10-17. Review status: criteria provided, single submitter. Criteria: Invitae Variant Classification Sherloc (09022015). Collection method: clinical testing. Allele origin: germline.

Color Diagnostics, LLC DBA Color Health
Classification: Likely benign for Hereditary cancer-predisposing syndrome. Last evaluated: 2019-05-28. Review status: criteria provided, single submitter. Criteria: ACMG Guidelines, 2015. Collection method: clinical testing. Allele origin: germline.